The following is an entry in ClinVar:

NM_001384474.1(LOXHD1):c.3350+1G>C

Gene: LOXHD1 (lipoxygenase homology PLAT domains 1; minus strand). Cytogenetic location: 18q21.1.
Variant type: single nucleotide variant.
Coding change: c.3350+1G>C on transcript NM_001384474.1 (MANE Select); the canonical splice donor site of the intron after coding-DNA position 3350, G replaced by C.
Molecular consequence: splice donor variant.
Genome position (GRCh38, 1-based): chr18:46,557,355, C>G on the plus strand (G>C on the coding strand, the complement: LOXHD1 is on the minus strand). VCF-style: chr18-46557355-C-G. GRCh37 (hg19) VCF-style: chr18-44137318-C-G.
Other names: c.17+1G>C (NM_001145472.3); c.3350+1G>C (NM_144612.7, NM_144612.6).
Identifiers: ClinVar variation 1067895 (VCV001067895.8), dbSNP rs1301706601, ClinGen allele CA402368599.

ClinVar aggregate classification (germline): Pathogenic/Likely pathogenic. Review status: criteria provided, multiple submitters, no conflicts (2 of 4 stars). 2 submissions from 2 submitters: Pathogenic (1); Likely pathogenic (1). Last evaluated 2025-08-03.

Conditions:
Autosomal recessive nonsyndromic hearing loss 77. Identifiers: Orphanet 90636, MedGen C2746083, MONDO:0013119, OMIM 613079.

Submissions (2):

Natera, Inc.
Classification: Likely pathogenic for Autosomal recessive deafness type 77. Last evaluated: 2025-08-03. Review status: criteria provided, single submitter. Criteria: Natera Variant Classification Schema (03/2026). Collection method: clinical testing. Allele origin: germline.
Comment: The c.3350+1G>C variant in LOXHD1 is a canonical splice donor site variant predicted to affect pre-mRNA splicing, which may result in an abnormal transcript and altered protein product. This variant is expected to result in nonsense mediated decay, truncation, or a dysfunctional protein product. This variant is rare in the general population with a frequency below the threshold expected for the associated phenotype(s). Given the available evidence, this variant is classified as Likely Pathogenic.

Labcorp Genetics (formerly Invitae), Labcorp
Classification: Pathogenic. Last evaluated: 2025-01-15. Review status: criteria provided, single submitter. Criteria: Invitae Variant Classification Sherloc (09022015). Collection method: clinical testing. Allele origin: germline.
Comment: This sequence change affects a donor splice site in intron 21 of the LOXHD1 gene. It is expected to disrupt RNA splicing. Variants that disrupt the donor or acceptor splice site typically lead to a loss of protein function (PMID: 16199547), and loss-of-function variants in LOXHD1 are known to be pathogenic (PMID: 19732867, 21465660, 25792669). This variant is not present in population databases (gnomAD no frequency). Disruption of this splice site has been observed in individuals with deafness (PMID: 32279305; internal data). ClinVar contains an entry for this variant (Variation ID: 1067895). Algorithms developed to predict the effect of sequence changes on RNA splicing suggest that this variant may disrupt the consensus splice site. For these reasons, this variant has been classified as Pathogenic.

Literature cited by the submitters: PubMed 16199547 (cited by Labcorp Genetics (formerly Invitae), Labcorp); PubMed 19732867 (cited by Labcorp Genetics (formerly Invitae), Labcorp); PubMed 21465660 (cited by Labcorp Genetics (formerly Invitae), Labcorp); PubMed 25792669 (cited by Labcorp Genetics (formerly Invitae), Labcorp); PubMed 32279305 (cited by Labcorp Genetics (formerly Invitae), Labcorp).